The following is an entry in ClinVar:

NM_033225.6(CSMD1):c.3232G>C (p.Glu1078Gln)

Gene: CSMD1 (CUB and Sushi multiple domains 1; minus strand). Cytogenetic location: 8p23.2.
Variant type: single nucleotide variant.
Coding change: c.3232G>C on transcript NM_033225.6 (MANE Select); coding-DNA position 3232, G replaced by C.
Protein change: p.Glu1078Gln; replaces glutamic acid 1078 with glutamine.
Molecular consequence: missense variant.
Genome position (GRCh38, 1-based): chr8:3,359,224, C>G on the plus strand (G>C on the coding strand, the complement: CSMD1 is on the minus strand). VCF-style: chr8-3359224-C-G. GRCh37 (hg19) VCF-style: chr8-3216746-C-G.
Other names: short protein forms E1078Q.
Identifiers: ClinVar variation 3026874 (VCV003026874.22), dbSNP rs2486695771, ClinGen allele CA370212093.

ClinVar aggregate classification (germline): Uncertain significance (1 of 4 stars; one submission).

Submission:

CeGaT Center for Human Genetics Tuebingen
Classification: Uncertain significance. Last evaluated: 2024-01-01. Review status: criteria provided, single submitter. Criteria: CeGaT Center For Human Genetics Tuebingen Variant Classification Criteria Version 2. Collection method: clinical testing. Allele origin: germline. Affected: yes. Observed: 1 variant allele.
Comment: CSMD1: PM2, BP4